The following is an entry in ClinVar:

NM_001754.5(RUNX1):c.744C>T (p.Asn248=)

Gene: RUNX1 (RUNX family transcription factor 1; minus strand). Cytogenetic location: 21q22.12.
Variant type: single nucleotide variant.
Coding change: c.744C>T on transcript NM_001754.5 (MANE Select); coding-DNA position 744, C replaced by T.
Protein change: p.Asn248=; no amino-acid change (asparagine 248 retained).
Molecular consequence: synonymous variant.
Genome position (GRCh38, 1-based): chr21:34,834,471, G>A on the plus strand (C>T on the coding strand, the complement: RUNX1 is on the minus strand). VCF-style: chr21-34834471-G-A. GRCh37 (hg19) VCF-style: chr21-36206768-G-A.
Other names: NM_001754.5(RUNX1):c.744C>T; c.663C>T, p.Asn221= (NM_001001890.3, NM_001122607.2); c.744C>T (NM_001754.4).
Identifiers: ClinVar variation 532682 (VCV000532682.16), dbSNP rs1555889947, ClinGen allele CA512318594.

ClinVar aggregate classification (germline): Likely benign. Review status: reviewed by expert panel (3 of 4 stars). 5 submissions from 5 submitters: Likely benign (1). 4 of the submissions do not count toward it. Last evaluated 2026-04-29.

Conditions:
Inborn genetic diseases. Identifiers: MedGen C0950123, MeSH D030342.
Hereditary thrombocytopenia and hematologic cancer predisposition syndrome. Identifiers: Orphanet 71290, MedGen CN281654, MONDO:0011071.
Hereditary thrombocytopenia and hematological cancer predisposition syndrome associated with RUNX1. Also called: Familial Platelet Disorder with Propensity to Acute Myelogenous Leukemia; Familial thrombocytopenia with propensity to acute myelogenous leukemia; RUNX1 Familial Platelet Disorder with Associated Myeloid Malignancies; PLATELET DISORDER, ASPIRIN-LIKE. Identifiers: Orphanet 71290, MedGen C1832388, MeSH C563324, MONDO:0100083, OMIM 601399.

Submissions (5):

ClinGen Myeloid Malignancy Variant Curation Expert Panel
Classification: Likely benign for Hereditary thrombocytopenia and hematologic cancer predisposition syndrome. Last evaluated: 2026-04-29. Review status: reviewed by expert panel. Criteria: ClinGen MyeloMalig ACMG Specifications V3.1. Collection method: curation. Allele origin: germline. Inheritance: Autosomal dominant inheritance.
Comment: NM_001754.5(RUNX1):c.744C>T (p.Asn248=) is a synonymous variant which has a SpliceAI score ≤ 0.20 (0.01) (BP4, BP7). This variant is completely absent from all population databases with at least 20x coverage for RUNX1 (PM2_supporting). In summary, this variant meets criteria to be classified as likely benign. ACMG/AMP criteria applied, as specified by the Myeloid Malignancy Variant Curation Expert Panel for RUNX1: BP4, BP7, PM2_supporting.

Ambry Genetics
Classification: Likely benign for Inborn genetic diseases. Last evaluated: 2025-06-19. Review status: criteria provided, single submitter. Criteria: Ambry Variant Classification Scheme 2023. Collection method: clinical testing. Allele origin: germline. Not counted in ClinVar's aggregate classification.

GeneDx
Classification: Uncertain significance. Last evaluated: 2023-10-25. Review status: criteria provided, single submitter. Criteria: GeneDx Variant Classification Process June 2021. Collection method: clinical testing. Allele origin: germline. Affected: yes. Not counted in ClinVar's aggregate classification.
Comment: Not observed at significant frequency in large population cohorts (gnomAD); In silico analysis supports that this variant does not alter splicing; Observed in an individual with familial platelet disorder (PMID: 34355501); This variant is associated with the following publications: (PMID: 34355501)

Labcorp Genetics (formerly Invitae), Labcorp
Classification: Likely benign for Hereditary thrombocytopenia and hematological cancer predisposition syndrome associated with RUNX1. Last evaluated: 2017-10-10. Review status: criteria provided, single submitter. Criteria: Invitae Variant Classification Sherloc (09022015). Collection method: clinical testing. Allele origin: germline. Not counted in ClinVar's aggregate classification.

ISTH-SSC Genomics in Thrombosis and Hemostasis, KU Leuven, Center for Molecular and Vascular Biology
Classification: Uncertain significance for Hereditary thrombocytopenia and hematological cancer predisposition syndrome associated with RUNX1. Review status: criteria provided, single submitter. Criteria: ACMG Guidelines, 2015. Collection method: clinical testing. Allele origin: unknown. Affected: yes. Not counted in ClinVar's aggregate classification.
Comment: Submitted to GoldVariant by Kathleen Freson, Center for Molecular and Vascular Biology, Leuven, Belgium

Literature cited by the submitters: PubMed 34355501 (cited by ISTH-SSC Genomics in Thrombosis and Hemostasis, KU Leuven, Center for Molecular and Vascular Biology).